The following is an entry in ClinVar:

NM_014991.6(WDFY3):c.5226G>C (p.Thr1742=)

Gene: WDFY3 (WD repeat and FYVE domain containing 3; minus strand). Cytogenetic location: 4q21.23.
Variant type: single nucleotide variant.
Coding change: c.5226G>C on transcript NM_014991.6 (MANE Select); coding-DNA position 5226, G replaced by C.
Protein change: p.Thr1742=; no amino-acid change (threonine 1742 retained).
Molecular consequence: synonymous variant.
Genome position (GRCh38, 1-based): chr4:84,757,124, C>G on the plus strand (G>C on the coding strand, the complement: WDFY3 is on the minus strand). VCF-style: chr4-84757124-C-G. GRCh37 (hg19) VCF-style: chr4-85678277-C-G.
Other names: c.5226G>C (NM_014991.4).
Identifiers: ClinVar variation 4534345 (VCV004534345.7).

ClinVar aggregate classification (germline): Likely benign. Review status: criteria provided, multiple submitters, no conflicts (2 of 4 stars). 2 submissions from 2 submitters: Likely benign (2). Last evaluated 2025-11-01.

Conditions:
WDFY3-related disorder.

gnomAD v4.1: 267 of 1,613,992 alleles (0.017%); highest among the groups gnomAD compares: East Asian, 0.31%; 1 homozygote.

Submissions (2):

CeGaT Center for Human Genetics Tuebingen
Classification: Likely benign. Last evaluated: 2025-11-01. Review status: criteria provided, single submitter. Criteria: CeGaT Center For Human Genetics Tuebingen Variant Classification Criteria Version 2. Collection method: clinical testing. Allele origin: germline. Affected: yes. Observed: 1 variant allele.
Comment: WDFY3: BP4, BP7

PreventionGenetics, part of Exact Sciences
Classification: Likely benign for WDFY3-related condition. Last evaluated: 2024-12-04. Review status: criteria provided, single submitter. Criteria: ACMG Guidelines, 2015. Collection method: clinical testing. Allele origin: germline.
Comment: This variant is classified as likely benign based on ACMG/AMP sequence variant interpretation guidelines (Richards et al. 2015 PMID: 25741868, with internal and published modifications).